The following is an entry in ClinVar:

NM_181507.2(HPS5):c.3229C>T (p.Arg1077Trp)

Gene: HPS5 (HPS5 biogenesis of lysosomal organelles complex 2 subunit 2; minus strand). Cytogenetic location: 11p15.1.
Variant type: single nucleotide variant.
Coding change: c.3229C>T on transcript NM_181507.2 (MANE Select); coding-DNA position 3229, C replaced by T.
Protein change: p.Arg1077Trp; replaces arginine 1077 with tryptophan.
Molecular consequence: missense variant.
Genome position (GRCh38, 1-based): chr11:18,282,050, G>A on the plus strand (C>T on the coding strand, the complement: HPS5 is on the minus strand). VCF-style: chr11-18282050-G-A. GRCh37 (hg19) VCF-style: chr11-18303597-G-A.
Other names: p.Arg1077Trp; c.2887C>T, p.Arg963Trp (NM_007216.4, NM_181508.2); short protein forms R1077W, R963W.
Identifiers: ClinVar variation 303867 (VCV000303867.18), dbSNP rs75482179, ClinGen allele CA5909620.

ClinVar aggregate classification (germline): Benign/Likely benign. Review status: criteria provided, multiple submitters, no conflicts (2 of 4 stars). 5 submissions from 5 submitters: Benign (3); Likely benign (2). Last evaluated 2026-02-02.

Conditions:
Hermansky-Pudlak syndrome 5 (HPS5). Identifiers: Orphanet 231512, Orphanet 79430, MedGen C3888004, MONDO:0013557, OMIM 614074.

Allele frequency attached by ClinVar (database versions not stated): ESP Exome Variant Server 0.00008; gnomAD 0.00056 and 0.00086; TOPMed 0.00082; 1000 Genomes Project 30x 0.00344; 1000 Genomes Project 0.00419.
gnomAD v4.1: 1,455 of 1,614,162 alleles (0.09%); highest among the groups gnomAD compares: East Asian, 2.4%; 11 homozygotes.

Submissions (5):

Labcorp Genetics (formerly Invitae), Labcorp
Classification: Benign. Last evaluated: 2026-02-02. Review status: criteria provided, single submitter. Criteria: Invitae Variant Classification Sherloc (09022015). Collection method: clinical testing. Allele origin: germline.

Mayo Clinic Laboratories, Mayo Clinic
Classification: Benign. Last evaluated: 2025-09-18. Review status: criteria provided, single submitter. Criteria: ACMG Guidelines, 2015. Collection method: clinical testing. Allele origin: germline. Observed: 2 variant alleles.
Comment: BA1, BS2, BP4

Blueprint Genetics
Classification: Likely benign. Last evaluated: 2024-11-11. Review status: criteria provided, single submitter. Criteria: ACMG Guidelines, 2015. Collection method: clinical testing. Allele origin: germline.

Illumina Laboratory Services, Illumina
Classification: Benign for Hermansky-Pudlak syndrome 5. Last evaluated: 2018-01-13. Review status: criteria provided, single submitter. Criteria: ICSL Variant Classification Criteria 13 December 2019. Collection method: clinical testing. Allele origin: germline.
Comment: This variant was observed in the ICSL laboratory as part of a predisposition screen in an ostensibly healthy population. It had not been previously curated by ICSL or reported in the Human Gene Mutation Database (HGMD: prior to June 1st, 2018), and was therefore a candidate for classification through an automated scoring system. Utilizing variant allele frequency, disease prevalence and penetrance estimates, and inheritance mode, an automated score was calculated to assess if this variant is too frequent to cause the disease. Based on the score and internal cut-off values, a variant classified as benign is not then subjected to further curation. The score for this variant resulted in a classification of benign for this disease.

Genetic Services Laboratory, University of Chicago
Classification: Likely benign. Last evaluated: 2017-11-13. Review status: criteria provided, single submitter. Criteria: ACMG Guidelines, 2015. Collection method: clinical testing. Allele origin: germline. Affected: no.